The following is an entry in ClinVar:

ClinVar aggregate classification (germline): Uncertain significance (1 of 4 stars; one submission).

Conditions:
EGFR-related lung cancer (EGFR). Identifiers: MedGen CN130014.

Submission:

Labcorp Genetics (formerly Invitae), Labcorp
Classification: Uncertain significance for EGFR-related lung cancer. Last evaluated: 2025-02-26. Review status: criteria provided, single submitter. Criteria: Invitae Variant Classification Sherloc (09022015). Collection method: clinical testing. Allele origin: germline.
Comment: This sequence change replaces asparagine, which is neutral and polar, with histidine, which is basic and polar, at codon 57 of the EGFR protein (p.Asn57His). This variant is not present in population databases (gnomAD no frequency). This variant has not been reported in the literature in individuals affected with EGFR-related conditions. Invitae Evidence Modeling of protein sequence and biophysical properties (such as structural, functional, and spatial information, amino acid conservation, physicochemical variation, residue mobility, and thermodynamic stability) indicates that this missense variant is not expected to disrupt EGFR protein function with a negative predictive value of 80%. In summary, the available evidence is currently insufficient to determine the role of this variant in disease. Therefore, it has been classified as a Variant of Uncertain Significance.

NM_005228.5(EGFR):c.169A>C (p.Asn57His)

Gene: EGFR (epidermal growth factor receptor; plus strand). Cytogenetic location: 7p11.2.
Variant type: single nucleotide variant.
Coding change: c.169A>C on transcript NM_005228.5 (MANE Select); coding-DNA position 169, A replaced by C.
Protein change: p.Asn57His; replaces asparagine 57 with histidine.
Molecular consequence: missense variant. On other transcripts: intron variant (1).
Genome position (GRCh38, 1-based): chr7:55,142,366, A>C. VCF-style: chr7-55142366-A-C. GRCh37 (hg19) VCF-style: chr7-55210059-A-C.
Other names: c.169A>C, p.Asn57His (NM_001346897.2, NM_001346898.2, NM_001346899.2 and 3 more transcripts); c.10A>C, p.Asn4His (NM_001346900.2); c.89-13464A>C (NM_001346941.2); short protein forms N4H, N57H.
Identifiers: ClinVar variation 4744675 (VCV004744675.1).